The following is an entry in ClinVar:

NM_000238.4(KCNH2):c.2614C>G (p.Pro872Ala)

Gene: KCNH2 (potassium voltage-gated channel subfamily H member 2; minus strand). Cytogenetic location: 7q36.1.
Variant type: single nucleotide variant.
Coding change: c.2614C>G on transcript NM_000238.4 (MANE Select); coding-DNA position 2614, C replaced by G.
Protein change: p.Pro872Ala; replaces proline 872 with alanine.
Molecular consequence: missense variant. On other transcripts: non-coding transcript variant (2).
Genome position (GRCh38, 1-based): chr7:150,948,522, G>C on the plus strand (C>G on the coding strand, the complement: KCNH2 is on the minus strand). VCF-style: chr7-150948522-G-C. GRCh37 (hg19) VCF-style: chr7-150645610-G-C.
Other names: c.2326C>G, p.Pro776Ala (NM_001406753.1); c.1594C>G, p.Pro532Ala (NM_172057.3); short protein forms P532A, P776A, P872A.
Identifiers: ClinVar variation 3386890 (VCV003386890.3).

ClinVar aggregate classification (germline): Uncertain significance. Review status: criteria provided, multiple submitters, no conflicts (2 of 4 stars). 2 submissions from 2 submitters: Uncertain significance (2). Last evaluated 2024-12-05.

Conditions:
Long QT syndrome (LQTS). Identifiers: MedGen C0023976, MeSH D008133, MONDO:0002442. Disease mechanism: loss of function. Inheritance: Various modes of inheritance.

Submissions (2):

Labcorp Genetics (formerly Invitae), Labcorp
Classification: Uncertain significance for Long QT syndrome. Last evaluated: 2024-12-05. Review status: criteria provided, single submitter. Criteria: Invitae Variant Classification Sherloc (09022015). Collection method: clinical testing. Allele origin: germline.
Comment: This sequence change replaces proline, which is neutral and non-polar, with alanine, which is neutral and non-polar, at codon 872 of the KCNH2 protein (p.Pro872Ala). This variant is not present in population databases (gnomAD no frequency). This variant has not been reported in the literature in individuals affected with KCNH2-related conditions. An algorithm developed to predict the effect of missense changes on protein structure and function (PolyPhen-2) suggests that this variant is likely to be tolerated. In summary, the available evidence is currently insufficient to determine the role of this variant in disease. Therefore, it has been classified as a Variant of Uncertain Significance.

All of Us Research Program, National Institutes of Health
Classification: Uncertain significance for Long QT syndrome. Last evaluated: 2024-02-22. Review status: criteria provided, single submitter. Criteria: ACMG Guidelines, 2015. Collection method: clinical testing. Allele origin: germline. Inheritance: Autosomal dominant inheritance. Observed: 1 variant allele, 1 heterozygote.
Comment: This missense variant replaces proline with alanine at codon 872 of the KCNH2 protein. Computational prediction is inconclusive regarding the impact of this variant on protein structure and function (internally defined REVEL score threshold 0.5 < inconclusive < 0.7, PMID: 27666373). To our knowledge, functional studies have not been reported for this variant. This variant has not been reported in individuals affected with KCNH2-related disorders in the literature. This variant has not been identified in the general population by the Genome Aggregation Database (gnomAD). The available evidence is insufficient to determine the role of this variant in disease conclusively. Therefore, this variant is classified as a Variant of Uncertain Significance.

This study involves interpretation of variants in research participants for the purpose of population health screening. Participant phenotype was not available at the time of variant classification. Additional details can be found in publication PMID: 35346344, PMCID: PMC8962531